The following is an entry in ClinVar:

ClinVar aggregate classification (germline): Pathogenic/Likely pathogenic. Review status: criteria provided, multiple submitters, no conflicts (2 of 4 stars). 3 submissions from 3 submitters: Pathogenic (1); Likely pathogenic (1). 1 of the submissions does not count toward it. Last evaluated 2024-02-06.

Conditions:
Diabetes insipidus, nephrogenic, autosomal (NDI2). Also called: Nephrogenic Diabetes Insipidus, Type II; Diabetes insipidus, nephrogenic, 2, autosomal. Identifiers: Orphanet 223, MedGen C1563706, MONDO:0007451, OMIM 125800.

Allele frequency attached by ClinVar (database versions not stated): gnomAD exomes below 0.00001.
gnomAD v4.1: 5 of 1,605,422 alleles (0.00031%); highest among the groups gnomAD compares: East Asian, 0.0022%; no homozygotes.

Submissions (3):

Fulgent Genetics
Classification: Likely pathogenic for Diabetes insipidus, nephrogenic, autosomal. Last evaluated: 2024-02-06. Review status: criteria provided, single submitter. Criteria: ACMG Guidelines, 2015. Collection method: clinical testing. Allele origin: germline.

Labcorp Genetics (formerly Invitae), Labcorp
Classification: Pathogenic. Last evaluated: 2024-01-22. Review status: criteria provided, single submitter. Criteria: Invitae Variant Classification Sherloc (09022015). Collection method: clinical testing. Allele origin: germline.
Comment: This sequence change replaces glycine, which is neutral and non-polar, with arginine, which is basic and polar, at codon 100 of the AQP2 protein (p.Gly100Arg). This variant is not present in population databases (gnomAD no frequency). This missense change has been observed in individual(s) with autosomal recessive nephrogenic diabetes insipidus (PMID: 16845277). It has also been observed to segregate with disease in related individuals. ClinVar contains an entry for this variant (Variation ID: 1319413). Advanced modeling of protein sequence and biophysical properties (such as structural, functional, and spatial information, amino acid conservation, physicochemical variation, residue mobility, and thermodynamic stability) performed at Invitae indicates that this missense variant is expected to disrupt AQP2 protein function with a positive predictive value of 80%. This variant disrupts the p.Gly100 amino acid residue in AQP2. Other variant(s) that disrupt this residue have been determined to be pathogenic (PMID: 12050236). This suggests that this residue is clinically significant, and that variants that disrupt this residue are likely to be disease-causing. For these reasons, this variant has been classified as Pathogenic.

Institute for Clinical Genetics, University Hospital TU Dresden, University Hospital TU Dresden
Classification: Uncertain significance. Last evaluated: 2021-11-03. Review status: flagged submission. Criteria: ACMG Guidelines, 2015. Collection method: clinical testing. Allele origin: germline. Not counted in ClinVar's aggregate classification.
ClinVar note: Reason: Older and outlier claim with insufficient supporting evidence

Literature cited by the submitters: PubMed 16845277 (cited by Labcorp Genetics (formerly Invitae), Labcorp); PubMed 12050236 (cited by Labcorp Genetics (formerly Invitae), Labcorp).

NM_000486.6(AQP2):c.298G>A (p.Gly100Arg)

Gene: AQP2 (aquaporin 2; plus strand). Cytogenetic location: 12q13.12.
Variant type: single nucleotide variant.
Coding change: c.298G>A on transcript NM_000486.6 (MANE Select); coding-DNA position 298, G replaced by A.
Protein change: p.Gly100Arg; replaces glycine 100 with arginine.
Molecular consequence: missense variant.
Genome position (GRCh38, 1-based): chr12:49,951,128, G>A. VCF-style: chr12-49951128-G-A. GRCh37 (hg19) VCF-style: chr12-50344911-G-A.
Other names: short protein forms G100R.
Identifiers: ClinVar variation 1319413 (VCV001319413.9), dbSNP rs1303076207, ClinGen allele CA384772282.